The following is an entry in ClinVar:

NM_001376.5(DYNC1H1):c.8886+13G>A

Gene: DYNC1H1 (dynein cytoplasmic 1 heavy chain 1; plus strand). Cytogenetic location: 14q32.31.
Variant type: single nucleotide variant.
Coding change: c.8886+13G>A on transcript NM_001376.5 (MANE Select); 13 bases into the intron after coding-DNA position 8886, G replaced by A.
Molecular consequence: intron variant.
Genome position (GRCh38, 1-based): chr14:102,027,301, G>A. VCF-style: chr14-102027301-G-A. GRCh37 (hg19) VCF-style: chr14-102493638-G-A.
Identifiers: ClinVar variation 377818 (VCV000377818.14), dbSNP rs17541317, ClinGen allele CA7353128.

ClinVar aggregate classification (germline): Benign/Likely benign. Review status: criteria provided, multiple submitters, no conflicts (2 of 4 stars). 6 submissions from 5 submitters: Benign (5); Likely benign (1). Last evaluated 2026-02-02.

Conditions:
Charcot-Marie-Tooth disease axonal type 2O. Also called: CHARCOT-MARIE-TOOTH NEUROPATHY, AXONAL, TYPE 2O; CHARCOT-MARIE-TOOTH DISEASE, AXONAL, AUTOSOMAL DOMINANT, TYPE 2O; Charcot-Marie-Tooth Neuropathy Type 2O; Charcot-Marie-Tooth disease, axonal, type 20. Identifiers: Orphanet 284232, MedGen C3280220, MONDO:0013644, OMIM 614228.
Autosomal dominant cerebellar ataxia. Also called: Spinocerebellar Ataxia, Dominant. Identifiers: Orphanet 99, MedGen C4087347, MONDO:0020380.

Allele frequency attached by ClinVar (database versions not stated): gnomAD exomes 0.00072; ExAC 0.00086; 1000 Genomes Project 30x 0.00234; 1000 Genomes Project 0.00280; gnomAD 0.00301 and 0.00322; TOPMed 0.00351; ESP Exome Variant Server 0.00415.
gnomAD v4.1: 905 of 1,614,024 alleles (0.056%); highest among the groups gnomAD compares: African/African-American, 1.1%; 8 homozygotes.

Submissions (6):

Labcorp Genetics (formerly Invitae), Labcorp
Classification: Benign for Charcot-Marie-Tooth disease axonal type 2O. Last evaluated: 2026-02-02. Review status: criteria provided, single submitter. Criteria: Invitae Variant Classification Sherloc (09022015). Collection method: clinical testing. Allele origin: germline.

Blueprint Genetics
Classification: Likely benign. Last evaluated: 2024-10-09. Review status: criteria provided, single submitter. Criteria: ACMG Guidelines, 2015. Collection method: clinical testing. Allele origin: germline.

ARUP Laboratories, Molecular Genetics and Genomics, ARUP Laboratories
Classification: Benign. Last evaluated: 2023-12-20. Review status: criteria provided, single submitter. Criteria: ARUP Molecular Germline Variant Investigation Process 2024. Collection method: clinical testing. Allele origin: germline.

Illumina Laboratory Services, Illumina
Classification: Benign for Charcot-Marie-Tooth disease axonal type 2O. Last evaluated: 2018-01-13. Review status: criteria provided, single submitter. Criteria: ICSL Variant Classification Criteria 13 December 2019. Collection method: clinical testing. Allele origin: germline.
Comment: This variant was observed in the ICSL laboratory as part of a predisposition screen in an ostensibly healthy population. It had not been previously curated by ICSL or reported in the Human Gene Mutation Database (HGMD: prior to June 1st, 2018), and was therefore a candidate for classification through an automated scoring system. Utilizing variant allele frequency, disease prevalence and penetrance estimates, and inheritance mode, an automated score was calculated to assess if this variant is too frequent to cause the disease. Based on the score and internal cut-off values, a variant classified as benign is not then subjected to further curation. The score for this variant resulted in a classification of benign for this disease.

Illumina Laboratory Services, Illumina
Classification: Benign for Spinocerebellar Ataxia, Dominant. Last evaluated: 2018-01-13. Review status: criteria provided, single submitter. Criteria: ICSL Variant Classification Criteria 13 December 2019. Collection method: clinical testing. Allele origin: germline.
Comment: the same text as in the submission from Illumina Laboratory Services, Illumina above.

GeneDx
Classification: Benign. Last evaluated: 2016-05-19. Review status: criteria provided, single submitter. Criteria: GeneDx Variant Classification (06012015). Collection method: clinical testing. Allele origin: germline. Affected: yes.
Comment: This variant is considered likely benign or benign based on one or more of the following criteria: it is a conservative change, it occurs at a poorly conserved position in the protein, it is predicted to be benign by multiple in silico algorithms, and/or has population frequency not consistent with disease.